The following is an entry in ClinVar:

ClinVar aggregate classification (germline): Uncertain significance. Review status: criteria provided, multiple submitters, no conflicts (2 of 4 stars). 3 submissions from 3 submitters: Uncertain significance (3). Last evaluated 2022-06-21.

Conditions:
Hereditary cancer-predisposing syndrome. Also called: Hereditary Cancer Syndrome; Neoplastic Syndromes, Hereditary; Tumor predisposition; Hereditary neoplastic syndrome. Identifiers: Orphanet 140162, MedGen C0027672, MeSH D009386, MONDO:0015356.
Peutz-Jeghers syndrome (PJS). Also called: POLYPOSIS, HAMARTOMATOUS INTESTINAL; POLYPS-AND-SPOTS SYNDROME; Peutz-Jeghers polyposis; Periorificial lentiginosis syndrome. Identifiers: Orphanet 2869, MedGen C0031269, MeSH D010580, MONDO:0008280, OMIM 175200.

Allele frequency attached by ClinVar (database versions not stated): gnomAD exomes below 0.00001.
gnomAD v4.1: 1 of 1,605,750 alleles (0.000062%); highest among the groups gnomAD compares: Non-Finnish European, 0.000085%; no homozygotes.

Submissions (3):

Ambry Genetics
Classification: Uncertain significance for Hereditary cancer-predisposing syndrome. Last evaluated: 2022-06-21. Review status: criteria provided, single submitter. Criteria: Ambry Variant Classification Scheme 2023. Collection method: clinical testing. Allele origin: germline.
Comment: The p.Q170R variant (also known as c.509A>G), located in coding exon 4 of the STK11 gene, results from an A to G substitution at nucleotide position 509. The glutamine at codon 170 is replaced by arginine, an amino acid with highly similar properties. This amino acid position is highly conserved in available vertebrate species. In addition, this alteration is predicted to be deleterious by in silico analysis. Since supporting evidence is limited at this time, the clinical significance of this alteration remains unclear.

Genome-Nilou Lab
Classification: Uncertain significance for Peutz-Jeghers syndrome. Last evaluated: 2021-07-15. Review status: criteria provided, single submitter. Criteria: ACMG Guidelines, 2015. Collection method: clinical testing. Allele origin: germline. Affected: no.

Labcorp Genetics (formerly Invitae), Labcorp
Classification: Uncertain significance for Peutz-Jeghers syndrome. Last evaluated: 2019-06-30. Review status: criteria provided, single submitter. Criteria: Invitae Variant Classification Sherloc (09022015). Collection method: clinical testing. Allele origin: germline.
Comment: This sequence change replaces glutamine with arginine at codon 170 of the STK11 protein (p.Gln170Arg). The glutamine residue is highly conserved and there is a small physicochemical difference between glutamine and arginine. This variant is not present in population databases (ExAC no frequency). This variant has not been reported in the literature in individuals with STK11-related conditions. ClinVar contains an entry for this variant (Variation ID: 232757). Algorithms developed to predict the effect of missense changes on protein structure and function are either unavailable or do not agree on the potential impact of this missense change (SIFT: "Tolerated"; PolyPhen-2: "Probably Damaging"; Align-GVGD: "Class C0"). In summary, the available evidence is currently insufficient to determine the role of this variant in disease. Therefore, it has been classified as a Variant of Uncertain Significance.

NM_000455.5(STK11):c.509A>G (p.Gln170Arg)

Gene: STK11 (serine/threonine kinase 11; plus strand). Cytogenetic location: 19p13.3.
Variant type: single nucleotide variant.
Coding change: c.509A>G on transcript NM_000455.5 (MANE Select); coding-DNA position 509, A replaced by G.
Protein change: p.Gln170Arg; replaces glutamine 170 with arginine.
Molecular consequence: missense variant.
Genome position (GRCh38, 1-based): chr19:1,220,417, A>G. VCF-style: chr19-1220417-A-G. GRCh37 (hg19) VCF-style: chr19-1220416-A-G.
Other names: short protein forms Q170R.
Identifiers: ClinVar variation 232757 (VCV000232757.17), dbSNP rs876659972, ClinGen allele CA10581002.
Genomic context (GRCh38, chr19:1,220,417, plus strand): 5'-TGTGTGCTGCCCGCAGGTACTTCTGTCAGCTGATTGACGGCCTGGAGTACCTGCATAGCC[A>G]GGGCATTGTGCACAAGGACATCAAGCCGGGGAACCTGCTGCTCACCACCGGTGGCACCCT-3'
Protein context (NP_000446.1, residues 160-180): LIDGLEYLHS[Gln170Arg]GIVHKDIKPG